The following is an entry in ClinVar:

ClinVar aggregate classification (germline): Uncertain significance (1 of 4 stars; one submission).

Conditions:
Inborn genetic diseases. Identifiers: MedGen C0950123, MeSH D030342.

Submission:

Ambry Genetics
Classification: Uncertain significance for Inborn genetic diseases. Last evaluated: 2022-06-03. Review status: criteria provided, single submitter. Criteria: Ambry Variant Classification Scheme 2023. Collection method: clinical testing. Allele origin: germline.
Comment: The c.478_516del39 (p.Q160_E172del) alteration, located in exon 4 (coding exon 1) of the NRIP1 gene, results from an in-frame deletion of 39 nucleotides at positions c.478 to c.516. This results in the deletion of 13 amino acids between codons 160 and 172. This variant was not reported in population-based cohorts in the Genome Aggregation Database (gnomAD). This amino acid position is not well conserved in available vertebrate species. Based on insufficient or conflicting evidence, the clinical significance of this alteration remains unclear.

NM_003489.4(NRIP1):c.478_516del (p.Gln160_Glu172del)

Gene: NRIP1 (nuclear receptor interacting protein 1; minus strand). Cytogenetic location: 21q11.2.
Variant type: Deletion.
Coding change: c.478_516del on transcript NM_003489.4 (MANE Select); coding-DNA positions 478 to 516, 39 bases deleted.
Protein change: p.Gln160_Glu172del.
Molecular consequence: inframe deletion.
Genome position (GRCh38, 1-based): chr21:14,967,677-14,967,715, 39 bases deleted; deleting any 39 consecutive bases within chr21:14,967,677-14,967,719 gives the same sequence; the c. name uses the placement nearest the transcript's 3' end. GRCh37 (hg19): chr21:16,340,002-16,340,040.
Identifiers: ClinVar variation 2237945 (VCV002237945.2), dbSNP rs2516293141, ClinGen allele CA2580098513.